The following is an entry in ClinVar:

ClinVar aggregate classification (germline): Likely benign. Review status: reviewed by expert panel (3 of 4 stars). 2 submissions from 2 submitters: Likely benign (1). 1 of the submissions does not count toward it. Last evaluated 2017-06-29.

Conditions:
Breast-ovarian cancer, familial, susceptibility to, 1 (BROVCA1). Also called: BRCA1 Hereditary Breast and Ovarian Cancer; OVARIAN CANCER, SUSCEPTIBILITY TO. Identifiers: Orphanet 145, MedGen C2676676, MONDO:0011450, OMIM 604370. Disease mechanism: loss of function.

Allele frequency attached by ClinVar (database versions not stated): gnomAD exomes below 0.00001; ExAC 0.00001; gnomAD 0.00001; 1000 Genomes Project 30x 0.00016; 1000 Genomes Project 0.00020.
gnomAD v4.1: 1 of 1,614,170 alleles (0.000062%); highest among the groups gnomAD compares: South Asian, 0.0011%; no homozygotes.

Submissions (2):

Evidence-based Network for the Interpretation of Germline Mutant Alleles (ENIGMA)
Classification: Likely benign for Breast-ovarian cancer, familial, susceptibility to, 1. Last evaluated: 2017-06-29. Review status: reviewed by expert panel. Criteria: ENIGMA BRCA1/2 Classification Criteria (2017-06-29). Collection method: curation. Allele origin: germline.
Comment: Synonymous substitution variant, with low bioinformatic likelihood to result in a splicing aberration (Splicing prior probability 0.02).

Blueprint Genetics
Classification: Likely benign. Last evaluated: 2021-10-29. Review status: criteria provided, single submitter. Criteria: ACMG Guidelines, 2015. Collection method: clinical testing. Allele origin: germline. Not counted in ClinVar's aggregate classification.

NM_007294.4(BRCA1):c.4272G>A (p.Gln1424=)

Gene: BRCA1 (BRCA1 DNA repair associated; minus strand). Cytogenetic location: 17q21.31.
Variant type: single nucleotide variant.
Coding change: c.4272G>A on transcript NM_007294.4 (MANE Select); coding-DNA position 4272, G replaced by A.
Protein change: p.Gln1424=; no amino-acid change (glutamine 1424 retained).
Molecular consequence: synonymous variant.
Genome position (GRCh38, 1-based): chr17:43,082,489, C>T on the plus strand (G>A on the coding strand, the complement: BRCA1 is on the minus strand). VCF-style: chr17-43082489-C-T. GRCh37 (hg19) VCF-style: chr17-41234506-C-T.
Other names: c.4059G>A, p.Gln1353= (NM_001407571.1, NM_001407853.1, NM_001407894.1 and 12 more transcripts); c.4272G>A, p.Gln1424= (NM_001407581.1, NM_001407582.1, NM_001407583.1 and 23 more transcripts); c.4269G>A, p.Gln1423= (NM_001407587.1, NM_001407590.1, NM_001407591.1 and 21 more transcripts); c.4266G>A, p.Gln1422= (NM_001407627.1, NM_001407628.1, NM_001407629.1 and 5 more transcripts); c.4260G>A, p.Gln1420= (NM_001407646.1, NM_001407647.1); c.4149G>A, p.Gln1383= (NM_001407648.1, NM_001407664.1, NM_001407665.1 and 13 more transcripts); c.4146G>A, p.Gln1382= (NM_001407649.1, NM_001407670.1, NM_001407671.1 and 12 more transcripts); c.4194G>A, p.Gln1398= (NM_001407653.1, NM_001407654.1, NM_001407655.1 and 2 more transcripts); and 51 more.
Identifiers: ClinVar variation 427328 (VCV000427328.5), dbSNP rs398122684, ClinGen allele CA059801.